The following is an entry in ClinVar:

ClinVar aggregate classification (germline): Uncertain significance (1 of 4 stars; one submission).

Conditions:
Familial encephalopathy with neuroserpin inclusion bodies. Also called: ENCEPHALOPATHY, FAMILIAL, WITH COLLINS BODIES. Identifiers: Orphanet 85110, MedGen C1858680, MONDO:0011412, OMIM 604218.

Submission:

MVZ Medizinische Genetik Mainz
Classification: Uncertain significance for Familial encephalopathy with neuroserpin inclusion bodies. Last evaluated: 2025-06-12. Review status: criteria provided, single submitter. Criteria: UK Practice Guidelines For Variant Classification V4 01 2020. Collection method: clinical testing. Allele origin: germline. Inheritance: Autosomal dominant inheritance. Affected: yes. Observed: 1 variant allele.
Comment: ACMG Criteria: PP3_STR,PM2_SUP

NM_001122752.2(SERPINI1):c.647T>A (p.Met216Lys)

Gene: SERPINI1 (serpin family I member 1; plus strand). Cytogenetic location: 3q26.1.
Variant type: single nucleotide variant.
Coding change: c.647T>A on transcript NM_001122752.2 (MANE Select); coding-DNA position 647, T replaced by A.
Protein change: p.Met216Lys; replaces methionine 216 with lysine.
Molecular consequence: missense variant.
Genome position (GRCh38, 1-based): chr3:167,792,755, T>A. VCF-style: chr3-167792755-T-A. GRCh37 (hg19) VCF-style: chr3-167510543-T-A.
Other names: c.647T>A, p.Met216Lys (NM_005025.5); short protein forms M216K.
Identifiers: ClinVar variation 4072210 (VCV004072210.1).
Genomic context (GRCh38, chr3:167,792,755, plus strand): 5'-CTGAAAATACTAGAACCTTTTCTTTCACTAAAGATGATGAAAGTGAAGTCCAAATTCCAA[T>A]GATGTATCAGCAAGGAGAATTTTATTATGGTAAGACATTTTTTGCTTTTATTTCTCTCTT-3'
Protein context (NP_001116224.1, residues 206-226): KDDESEVQIP[Met216Lys]MYQQGEFYYG